The following is an entry in ClinVar:

NM_001375524.1(TRRAP):c.1972A>G (p.Met658Val)

Gene: TRRAP (transformation/transcription domain associated protein; plus strand). Cytogenetic location: 7q22.1.
Variant type: single nucleotide variant.
Coding change: c.1972A>G on transcript NM_001375524.1 (MANE Select); coding-DNA position 1972, A replaced by G.
Protein change: p.Met658Val; replaces methionine 658 with valine.
Molecular consequence: missense variant.
Genome position (GRCh38, 1-based): chr7:98,911,236, A>G. VCF-style: chr7-98911236-A-G. GRCh37 (hg19) VCF-style: chr7-98508859-A-G.
Other names: c.1972A>G, p.Met658Val (NM_001244580.2, NM_003496.4); short protein forms M658V.
Identifiers: ClinVar variation 2901826 (VCV002901826.3), dbSNP rs142095430, ClinGen allele CA4359657.
Genomic context (GRCh38, chr7:98,911,236, plus strand): 5'-GTGTTCACAATGATGAACCCCTTAACGTTCAAAGAAATCTTCCAAACTACGGTCCCTTAT[A>G]TGGTGGAGAGAATCTCAAAAAATTATGCTCTTCAGGTATAAAACTCCTTTTTTTATGTTG-3'
Protein context (NP_001362453.1, residues 648-668): KEIFQTTVPY[Met658Val]VERISKNYAL

ClinVar aggregate classification (germline): Uncertain significance (1 of 4 stars; one submission).

Allele frequency attached by ClinVar (database versions not stated): ESP Exome Variant Server 0.00015.
gnomAD v4.1: 84 of 1,613,730 alleles (0.0052%); highest among the groups gnomAD compares: Non-Finnish European, 0.0056%; no homozygotes.

Submission:

Labcorp Genetics (formerly Invitae), Labcorp
Classification: Uncertain significance. Last evaluated: 2023-11-02. Review status: criteria provided, single submitter. Criteria: Invitae Variant Classification Sherloc (09022015). Collection method: clinical testing. Allele origin: germline.
Comment: This sequence change replaces methionine, which is neutral and non-polar, with valine, which is neutral and non-polar, at codon 658 of the TRRAP protein (p.Met658Val). This variant is present in population databases (rs142095430, gnomAD 0.03%), and has an allele count higher than expected for a pathogenic variant. This variant has not been reported in the literature in individuals affected with TRRAP-related conditions. Advanced modeling of protein sequence and biophysical properties (such as structural, functional, and spatial information, amino acid conservation, physicochemical variation, residue mobility, and thermodynamic stability) performed at Invitae indicates that this missense variant is not expected to disrupt TRRAP protein function with a negative predictive value of 80%. In summary, the available evidence is currently insufficient to determine the role of this variant in disease. Therefore, it has been classified as a Variant of Uncertain Significance.